The following is an entry in ClinVar:

ClinVar aggregate classification (germline): Uncertain significance. Review status: criteria provided, multiple submitters, no conflicts (2 of 4 stars). 3 submissions from 3 submitters: Uncertain significance (3). Last evaluated 2026-04-17.

Conditions:
PCNT-related disorder. Also called: PCNT-related condition.

Submissions (3):

PreventionGenetics, part of Exact Sciences
Classification: Uncertain significance for PCNT-related condition. Last evaluated: 2026-04-17. Review status: criteria provided, single submitter. Criteria: ACMG Guidelines, 2015. Collection method: clinical testing. Allele origin: germline.
Comment: The PCNT c.2556_2559delinsCTTT variant is predicted to result in an in-frame deletion and insertion. To our knowledge, this variant has not been reported in the literature or in a large population database (gnomAD), indicating this variant is rare. At this time, the clinical significance of this variant is uncertain due to the absence of conclusive functional and genetic evidence.

GeneDx
Classification: Uncertain significance. Last evaluated: 2024-04-10. Review status: criteria provided, single submitter. Criteria: GeneDx Variant Classification Process June 2021. Collection method: clinical testing. Allele origin: germline. Affected: yes.
Comment: Not observed at significant frequency in large population cohorts (gnomAD); Has not been previously published as pathogenic or benign to our knowledge; In silico analysis does not support a benign or deleterious effect of this variant on protein structure/function

Labcorp Genetics (formerly Invitae), Labcorp
Classification: Uncertain significance. Last evaluated: 2022-07-19. Review status: criteria provided, single submitter. Criteria: Invitae Variant Classification Sherloc (09022015). Collection method: clinical testing. Allele origin: germline.
Comment: This sequence change replaces alanine, which is neutral and non-polar, with phenylalanine, which is neutral and non-polar, at codon 853 of the PCNT protein (p.Ala853Phe). Information on the frequency of this variant in the gnomAD database is not available, as this variant may be reported differently in the database. This variant has not been reported in the literature in individuals affected with PCNT-related conditions. ClinVar contains an entry for this variant (Variation ID: 1415785). Experimental studies and prediction algorithms are not available or were not evaluated, and the functional significance of this variant is currently unknown. In summary, the available evidence is currently insufficient to determine the role of this variant in disease. Therefore, it has been classified as a Variant of Uncertain Significance.

NM_006031.6(PCNT):c.2556_2559delinsCTTT (p.Ala853Phe)

Gene: PCNT (pericentrin; plus strand). Cytogenetic location: 21q22.3.
Variant type: Indel.
Coding change: c.2556_2559delinsCTTT on transcript NM_006031.6 (MANE Select); coding-DNA positions 2556 to 2559, TGCG replaced by CTTT.
Protein change: p.Ala853Phe; replaces alanine 853 with phenylalanine.
Molecular consequence: missense variant.
Genome position (GRCh38, 1-based): chr21:46,363,881-46,363,884, TGCG replaced by CTTT. VCF-style: chr21-46363881-TGCG-CTTT. GRCh37 (hg19) VCF-style: chr21-47783796-TGCG-CTTT.
Other names: c.2556_2559delinsCTTT (NM_006031.5); c.2202_2205delinsCTTT, p.Ala735Phe (NM_001315529.2); short protein forms A853F, A735F.
Identifiers: ClinVar variation 1415785 (VCV001415785.7), dbSNP rs2146858439, ClinGen allele CA2573157530.
Genomic context (GRCh38, chr21:46,363,881, plus strand): 5'-CGCCCTGCATTGCAGCCAGTGTGGGCGGGAGCCGCCCACAGCCCAGGACGGGGAGCTTGC[TGCG>CTTT]CTCCACGTGAAGGAAGACTGCGCCCTGCAGCTGATGCTGGCCCGGAGCAGGTGGGTTTGC-3'
Protein context (NP_006022.3, residues 843-863): PPTAQDGELA[Ala853Phe]LHVKEDCALQ